The following is an entry in ClinVar:

NM_000410.4(HFE):c.278G>T (p.Gly93Val)

Gene: HFE (homeostatic iron regulator; plus strand). Cytogenetic location: 6p22.2.
Variant type: single nucleotide variant.
Coding change: c.278G>T on transcript NM_000410.4 (MANE Select); coding-DNA position 278, G replaced by T.
Protein change: p.Gly93Val; replaces glycine 93 with valine.
Molecular consequence: missense variant. On other transcripts: intron variant (4).
Genome position (GRCh38, 1-based): chr6:26,091,042, G>T. VCF-style: chr6-26091042-G-T. GRCh37 (hg19) VCF-style: chr6-26091270-G-T.
Other names: c.278G>T, p.Gly93Val (NM_001300749.3, NM_001384164.1, NM_001406751.1 and 3 more transcripts); c.209G>T, p.Gly70Val (NM_139009.3); c.77-272G>T (NM_139007.3, NM_139008.3); c.77-1643G>T (NM_139010.3); c.77-2077G>T (NM_139011.3); short protein forms G93V, G70V.
Identifiers: ClinVar variation 2138513 (VCV002138513.4), dbSNP rs757281653, ClinGen allele CA3666619.

ClinVar aggregate classification (germline): Uncertain significance (1 of 4 stars; one submission).

Conditions:
Hereditary hemochromatosis (HFE). Identifiers: MedGen C0392514, MONDO:0006507. Disease mechanism: loss of function.

Allele frequency attached by ClinVar (database versions not stated): gnomAD exomes below 0.00001; ExAC 0.00001.

Submission:

Labcorp Genetics (formerly Invitae), Labcorp
Classification: Uncertain significance for Hereditary hemochromatosis. Last evaluated: 2022-02-22. Review status: criteria provided, single submitter. Criteria: Invitae Variant Classification Sherloc (09022015). Collection method: clinical testing. Allele origin: germline.
Comment: Algorithms developed to predict the effect of missense changes on protein structure and function are either unavailable or do not agree on the potential impact of this missense change (SIFT: "Deleterious"; PolyPhen-2: "Probably Damaging"; Align-GVGD: "Class C0"). In summary, the available evidence is currently insufficient to determine the role of this variant in disease. Therefore, it has been classified as a Variant of Uncertain Significance. This variant has not been reported in the literature in individuals affected with HFE-related conditions. This variant is present in population databases (rs757281653, gnomAD 0.003%). This sequence change replaces glycine, which is neutral and non-polar, with valine, which is neutral and non-polar, at codon 93 of the HFE protein (p.Gly93Val).